The following is an entry in ClinVar:

NM_003982.4(SLC7A7):c.889dup (p.Ala297fs)

Gene: SLC7A7 (solute carrier family 7 member 7; minus strand). Cytogenetic location: 14q11.2.
Variant type: Duplication.
Coding change: c.889dup on transcript NM_003982.4 (MANE Select); coding-DNA position 889, one base duplicated (G; older notation c.889dupG).
Protein change: p.Ala297fs; shifts the reading frame from alanine 297.
Molecular consequence: frameshift variant.
Genome position (GRCh38, 1-based): chr14:22,776,200, C duplicated on the plus strand (G on the coding strand, the reverse complement: SLC7A7 is on the minus strand). VCF-style (leftmost placement, unchanged base first): chr14-22776199-G-GC. GRCh37 (hg19) VCF-style: chr14-23245408-G-GC.
Other names: c.889dup, p.Ala297fs (NM_001126105.3, NM_001126106.4); short protein forms A297fs.
Identifiers: ClinVar variation 1075788 (VCV001075788.7), dbSNP rs2139388749, ClinGen allele CA2499222567.

ClinVar aggregate classification (germline): Pathogenic (1 of 4 stars; one submission).

Conditions:
Lysinuric protein intolerance (LPI). Identifiers: Orphanet 470, MedGen C0268647, MONDO:0009109, OMIM 222700.

Submission:

Labcorp Genetics (formerly Invitae), Labcorp
Classification: Pathogenic for Lysinuric protein intolerance. Last evaluated: 2020-02-29. Review status: criteria provided, single submitter. Criteria: Invitae Variant Classification Sherloc (09022015). Collection method: clinical testing. Allele origin: germline.
Comment: This variant is not present in population databases (ExAC no frequency). For these reasons, this variant has been classified as Pathogenic. Loss-of-function variants in SLC7A7 are known to be pathogenic (PMID: 10631139, 17764084). This variant has not been reported in the literature in individuals with SLC7A7-related conditions. This sequence change creates a premature translational stop signal (p.Ala297Glyfs*13) in the SLC7A7 gene. It is expected to result in an absent or disrupted protein product.

Literature cited by the submitters: PubMed 10631139; PubMed 17764084.